The following is an entry in ClinVar:

ClinVar aggregate classification (germline): Pathogenic/Likely pathogenic. Review status: criteria provided, multiple submitters, no conflicts (2 of 4 stars). 2 submissions from 2 submitters: Pathogenic (1); Likely pathogenic (1). Last evaluated 2024-03-28.

Conditions:
Mucopolysaccharidosis, MPS-III-A (MPS3A). Also called: Mucopolysaccharidosis type IIIA (Sanfilippo A); Mucopolysaccharidosis, type IIIA; mucopolysaccharidosis type 3A; MPS IIIA (Sanfilippo Syndrome Type A); HEPARAN SULFATE SULFATASE DEFICIENCY; SANFILIPPO SYNDROME A. Identifiers: Orphanet 581, Orphanet 79269, MedGen C0086647, MONDO:0009655, OMIM 252900.

Allele frequency attached by ClinVar (database versions not stated): ExAC 0.00001.

Submissions (2):

Baylor Genetics
Classification: Likely pathogenic for Mucopolysaccharidosis, MPS-III-A. Last evaluated: 2024-03-28. Review status: criteria provided, single submitter. Criteria: ACMG Guidelines, 2015. Collection method: clinical testing. Allele origin: unknown.

Labcorp Genetics (formerly Invitae), Labcorp
Classification: Pathogenic for Mucopolysaccharidosis, MPS-III-A. Last evaluated: 2023-06-14. Review status: criteria provided, single submitter. Criteria: Invitae Variant Classification Sherloc (09022015). Collection method: clinical testing. Allele origin: germline.
Comment: This variant is not present in population databases (gnomAD no frequency). This sequence change creates a premature translational stop signal (p.Gln449*) in the SGSH gene. While this is not anticipated to result in nonsense mediated decay, it is expected to disrupt the last 54 amino acid(s) of the SGSH protein. This variant has not been reported in the literature in individuals affected with SGSH-related conditions. This variant disrupts a region of the SGSH protein in which other variant(s) (p.Trp479*) have been determined to be pathogenic (PMID: 21204211). This suggests that this is a clinically significant region of the protein, and that variants that disrupt it are likely to be disease-causing. For these reasons, this variant has been classified as Pathogenic.

Literature cited by the submitters: PubMed 21204211 (cited by Labcorp Genetics (formerly Invitae), Labcorp).

NM_000199.5(SGSH):c.1345C>T (p.Gln449Ter)

Gene: SGSH (N-sulfoglucosamine sulfohydrolase; minus strand). Cytogenetic location: 17q25.3.
Variant type: single nucleotide variant.
Coding change: c.1345C>T on transcript NM_000199.5 (MANE Select); coding-DNA position 1345, C replaced by T.
Protein change: p.Gln449Ter; replaces glutamine 449 with a stop codon.
Molecular consequence: nonsense. On other transcripts: 3 prime UTR variant (2), non-coding transcript variant (1).
Genome position (GRCh38, 1-based): chr17:80,210,616, G>A on the plus strand (C>T on the coding strand, the complement: SGSH is on the minus strand). VCF-style: chr17-80210616-G-A. GRCh37 (hg19) VCF-style: chr17-78184415-G-A.
Other names: c.*432C>T (NM_001352921.3); c.*395C>T (NM_001352922.2); short protein forms Q449*.
Identifiers: ClinVar variation 2894590 (VCV002894590.4), dbSNP rs755951235, ClinGen allele CA8817602.